The following is an entry in ClinVar:

NM_001458.5(FLNC):c.2042G>A (p.Gly681Asp)

Gene: FLNC (filamin C; plus strand). Cytogenetic location: 7q32.1.
Variant type: single nucleotide variant.
Coding change: c.2042G>A on transcript NM_001458.5 (MANE Select); coding-DNA position 2042, G replaced by A.
Protein change: p.Gly681Asp; replaces glycine 681 with aspartic acid.
Molecular consequence: missense variant.
Genome position (GRCh38, 1-based): chr7:128,841,488, G>A. VCF-style: chr7-128841488-G-A. GRCh37 (hg19) VCF-style: chr7-128481542-G-A.
Other names: c.2042G>A, p.Gly681Asp (NM_001127487.2); short protein forms G681D.
Identifiers: ClinVar variation 4812408 (VCV004812408.1).

ClinVar aggregate classification (germline): Uncertain significance (1 of 4 stars; one submission).

Conditions:
Hypertrophic cardiomyopathy 26. Also called: Cardiomyopathy, familial hypertrophic, 26. Identifiers: Orphanet 75249, MedGen C4310749, MONDO:0014883, OMIM 617047.
Myofibrillar myopathy 5. Also called: Filaminopathy (type); FILAMINOPATHY, AUTOSOMAL DOMINANT. Identifiers: Orphanet 171445, MedGen C1836050, MONDO:0012289, OMIM 609524.
Distal myopathy with posterior leg and anterior hand involvement. Also called: WILLIAMS DISTAL MYOPATHY. Identifiers: Orphanet 63273, MedGen C3279722, MONDO:0013550, OMIM 614065.

Submission:

Labcorp Genetics (formerly Invitae), Labcorp
Classification: Uncertain significance for Distal myopathy with posterior leg and anterior hand involvement; Myofibrillar myopathy 5; Hypertrophic cardiomyopathy 26. Last evaluated: 2025-12-09. Review status: criteria provided, single submitter. Criteria: Invitae Variant Classification Sherloc (09022015). Collection method: clinical testing. Allele origin: germline.
Comment: This sequence change replaces glycine, which is neutral and non-polar, with aspartic acid, which is acidic and polar, at codon 681 of the FLNC protein (p.Gly681Asp). This variant is not present in population databases (gnomAD no frequency). This variant has not been reported in the literature in individuals affected with FLNC-related conditions. Invitae Evidence Modeling of protein sequence and biophysical properties (such as structural, functional, and spatial information, amino acid conservation, physicochemical variation, residue mobility, and thermodynamic stability) has been performed for this missense variant. However, the output from this modeling did not meet the statistical confidence thresholds required to predict the impact of this variant on FLNC protein function. In summary, the available evidence is currently insufficient to determine the role of this variant in disease. Therefore, it has been classified as a Variant of Uncertain Significance.